The following is an entry in ClinVar:

ClinVar aggregate classification (germline): Benign (1 of 4 stars; one submission).

Allele frequency attached by ClinVar (database versions not stated): 1000 Genomes Project 0.57149; 1000 Genomes Project 30x 0.57417; gnomAD 0.58033; TOPMed 0.58530.
gnomAD v4.1: 88,258 of 152,050 alleles (58%); highest among the groups gnomAD compares: East Asian, 62%; 25,742 homozygotes.

Submission:

GeneDx
Classification: Benign. Last evaluated: 2018-06-14. Review status: criteria provided, single submitter. Criteria: GeneDx Variant Classification (06012015). Collection method: clinical testing. Allele origin: germline. Affected: yes.
Comment: This variant is considered likely benign or benign based on one or more of the following criteria: it is a conservative change, it occurs at a poorly conserved position in the protein, it is predicted to be benign by multiple in silico algorithms, and/or has population frequency not consistent with disease.

NM_182961.4(SYNE1):c.11581-168A>G

Gene: SYNE1 (spectrin repeat containing nuclear envelope protein 1; minus strand). Cytogenetic location: 6q25.2.
Variant type: single nucleotide variant.
Coding change: c.11581-168A>G on transcript NM_182961.4 (MANE Select); 168 bases into the intron before coding-DNA position 11581, A replaced by G.
Molecular consequence: intron variant.
Genome position (GRCh38, 1-based): chr6:152,350,938, T>C on the plus strand (A>G on the coding strand, the complement: SYNE1 is on the minus strand). VCF-style: chr6-152350938-T-C. GRCh37 (hg19) VCF-style: chr6-152672073-T-C.
Other names: c.11536-168A>G (NM_033071.5).
Identifiers: ClinVar variation 670168 (VCV000670168.1), dbSNP rs12211794, ClinGen allele CA12379712.